The following is an entry in ClinVar:

ClinVar aggregate classification (germline): Benign. Review status: criteria provided, multiple submitters, no conflicts (2 of 4 stars). 9 submissions from 9 submitters: Benign (7). 2 of the submissions do not count toward it. Last evaluated 2026-01-15.

Conditions:
Vici syndrome (VICIS). Identifiers: Orphanet 1493, MedGen C1855772, MONDO:0009452, OMIM 242840.

Submissions (9):

Labcorp Genetics (formerly Invitae), Labcorp
Classification: Benign for Vici syndrome. Last evaluated: 2026-01-15. Review status: criteria provided, single submitter. Criteria: Invitae Variant Classification Sherloc (09022015). Collection method: clinical testing. Allele origin: germline.

Mayo Clinic Laboratories, Mayo Clinic
Classification: Benign. Last evaluated: 2025-08-12. Review status: criteria provided, single submitter. Criteria: ACMG Guidelines, 2015. Collection method: clinical testing. Allele origin: germline. Observed: 5 variant alleles.
Comment: BA1

Blueprint Genetics
Classification: Benign. Last evaluated: 2024-11-28. Review status: criteria provided, single submitter. Criteria: ACMG Guidelines, 2015. Collection method: clinical testing. Allele origin: germline.

Unidad de Genómica Garrahan, Hospital de Pediatría Garrahan
Classification: Benign. Last evaluated: 2024-01-24. Review status: criteria provided, single submitter. Criteria: ACMG Guidelines, 2015. Collection method: clinical testing. Allele origin: germline. Affected: no. Observed: 37 variant alleles.
Comment: This variant is classified as Benign based on local population frequency. This variant was detected in 39% of patients studied by a panel of primary immunodeficiencies. Number of patients: 37. Only high quality variants are reported.

GeneDx
Classification: Benign. Last evaluated: 2018-06-04. Review status: criteria provided, single submitter. Criteria: GeneDx Variant Classification (06012015). Collection method: clinical testing. Allele origin: germline. Affected: yes.
Comment: This variant is considered likely benign or benign based on one or more of the following criteria: it is a conservative change, it occurs at a poorly conserved position in the protein, it is predicted to be benign by multiple in silico algorithms, and/or has population frequency not consistent with disease.

Laboratory for Molecular Medicine, Mass General Brigham Personalized Medicine
Classification: Benign. Last evaluated: 2016-03-29. Review status: criteria provided, single submitter. Criteria: LMM Criteria. Collection method: clinical testing. Allele origin: germline.
Comment: Variant identified in a genome or exome case(s) and assessed due to predicted null impact of the variant or pathogenic assertions in the literature or databases. Disclaimer: This variant has not undergone full assessment. The following are preliminary notes: Frequency - No homozygotes in ExAC

Genome Diagnostics Laboratory, University Medical Center Utrecht
Classification: Benign for Vici syndrome. Last evaluated: 2016-01-12. Review status: criteria provided, single submitter. Criteria: ACGS Guidelines, 2013. Collection method: clinical testing. Allele origin: germline. Affected: yes. Study: VKGL Data-share Consensus.

Clinical Genetics DNA and cytogenetics Diagnostics Lab, Erasmus MC, Erasmus Medical Center
Classification: Benign. Review status: no assertion criteria provided. Collection method: clinical testing. Allele origin: germline. Affected: yes. Study: VKGL Data-share Consensus. Not counted in ClinVar's aggregate classification.

Laboratory of Diagnostic Genome Analysis, Leiden University Medical Center (LUMC)
Classification: Benign. Review status: no assertion criteria provided. Collection method: clinical testing. Allele origin: germline. Affected: yes. Study: VKGL Data-share Consensus. Not counted in ClinVar's aggregate classification.

NM_020964.3(EPG5):c.6622-7del

Gene: EPG5 (ectopic P-granules 5 autophagy tethering factor; minus strand). Cytogenetic location: 18q12.3.
Variant type: Deletion.
Coding change: c.6622-7del on transcript NM_020964.3 (MANE Select); 7 bases into the intron before coding-DNA position 6622, one base deleted (T; older notation c.6622-7delT).
Molecular consequence: intron variant.
Genome position (GRCh38, 1-based): chr18:45,865,766, A deleted on the plus strand (T on the coding strand, the reverse complement: EPG5 is on the minus strand); the first of 17 consecutive A bases (chr18:45,865,766-45,865,782); deleting any one gives the same sequence. VCF-style (leftmost placement, unchanged base first): chr18-45865765-CA-C. GRCh37 (hg19) VCF-style: chr18-43445730-CA-C.
Other names: p.?; c.6622-7del (LRG_1234t1); c.6622-7delT (NM_020964.2).
Identifiers: ClinVar variation 402832 (VCV000402832.23), dbSNP rs11333207, ClinGen allele CA8948201.
Genomic context (GRCh38, chr18:45,865,765, plus strand): 5'-TGCTGAGGAATTGAACCATCTGATGAGTAAAAGCTTGGCATTTTGGAACTGCATCCTGAC[CA>C]AAAAAAAAAAAAAAAATCATTCAAATGAATCCAAGCAAGGAGTGTTAACTGCATATTTCC-3'